The following is an entry in ClinVar:

NM_152703.5(SAMD9L):c.3414C>G (p.Asn1138Lys)

Gene: SAMD9L (sterile alpha motif domain containing 9 like; minus strand). Cytogenetic location: 7q21.2.
Variant type: single nucleotide variant.
Coding change: c.3414C>G on transcript NM_152703.5 (MANE Select); coding-DNA position 3414, C replaced by G.
Protein change: p.Asn1138Lys; replaces asparagine 1138 with lysine.
Molecular consequence: missense variant.
Genome position (GRCh38, 1-based): chr7:93,132,558, G>C on the plus strand (C>G on the coding strand, the complement: SAMD9L is on the minus strand). VCF-style: chr7-93132558-G-C. GRCh37 (hg19) VCF-style: chr7-92761871-G-C.
Other names: c.3414C>G, p.Asn1138Lys (NM_001350083.2, NM_001350084.2, NM_001350085.2 and 5 more transcripts); c.3414C>G (NM_152703.2); short protein forms N1138K.
Identifiers: ClinVar variation 3657443 (VCV003657443.3).

ClinVar aggregate classification (germline): Uncertain significance. Review status: criteria provided, multiple submitters, no conflicts (2 of 4 stars). 2 submissions from 2 submitters: Uncertain significance (2). Last evaluated 2025-09-20.

Conditions:
Inborn genetic diseases. Identifiers: MedGen C0950123, MeSH D030342.

gnomAD v4.1: 1 of 1,613,822 alleles (0.000062%); highest among the groups gnomAD compares: East Asian, 0.0022%; no homozygotes.

Submissions (2):

Ambry Genetics
Classification: Uncertain significance for Inborn genetic diseases. Last evaluated: 2025-09-20. Review status: criteria provided, single submitter. Criteria: Ambry Variant Classification Scheme 2023. Collection method: clinical testing. Allele origin: germline.
Comment: The p.N1138K variant (also known as c.3414C>G), located in coding exon 1 of the SAMD9L gene, results from a C to G substitution at nucleotide position 3414. The asparagine at codon 1138 is replaced by lysine, an amino acid with similar properties. This amino acid position is conserved. In addition, this alteration is predicted to be tolerated by in silico analysis. Based on the available evidence, the clinical significance of this variant remains unclear.

Labcorp Genetics (formerly Invitae), Labcorp
Classification: Uncertain significance. Last evaluated: 2024-11-04. Review status: criteria provided, single submitter. Criteria: Invitae Variant Classification Sherloc (09022015). Collection method: clinical testing. Allele origin: germline.
Comment: This sequence change replaces asparagine, which is neutral and polar, with lysine, which is basic and polar, at codon 1138 of the SAMD9L protein (p.Asn1138Lys). This variant is present in population databases (no rsID available, gnomAD 0.006%). This variant has not been reported in the literature in individuals affected with SAMD9L-related conditions. Invitae Evidence Modeling of protein sequence and biophysical properties (such as structural, functional, and spatial information, amino acid conservation, physicochemical variation, residue mobility, and thermodynamic stability) indicates that this missense variant is not expected to disrupt SAMD9L protein function with a negative predictive value of 80%. In summary, the available evidence is currently insufficient to determine the role of this variant in disease. Therefore, it has been classified as a Variant of Uncertain Significance.